The following is an entry in ClinVar:

ClinVar aggregate classification (germline): Uncertain significance. Review status: criteria provided, multiple submitters, no conflicts (2 of 4 stars). 2 submissions from 2 submitters: Uncertain significance (2). Last evaluated 2026-03-19.

Conditions:
Myoclonic dystonia 11 (DYT11). Also called: Myoclonic dystonia; SGCE Myoclonus-Dystonia; Myoclonus-Dystonia; Dystonia 11; Dystonia, alcohol responsive; Hereditary essential myoclonus. Identifiers: Orphanet 36899, MedGen C1834570, MONDO:0008044, OMIM 159900.

Submissions (2):

GeneDx
Classification: Uncertain significance. Last evaluated: 2026-03-19. Review status: criteria provided, single submitter. Criteria: GeneDx Variant Classification Process June 2021. Collection method: clinical testing. Allele origin: germline.
Comment: Not observed at significant frequency in large population cohorts (gnomAD); In silico analysis suggests that this missense variant does not alter protein structure/function; Has not been previously published as pathogenic or benign to our knowledge

Labcorp Genetics (formerly Invitae), Labcorp
Classification: Uncertain significance for Myoclonic dystonia 11. Last evaluated: 2025-05-18. Review status: criteria provided, single submitter. Criteria: Invitae Variant Classification Sherloc (09022015). Collection method: clinical testing. Allele origin: germline.
Comment: This sequence change replaces glutamine, which is neutral and polar, with histidine, which is basic and polar, at codon 425 of the SGCE protein (p.Gln425His). This variant is not present in population databases (gnomAD no frequency). This variant has not been reported in the literature in individuals affected with SGCE-related conditions. An algorithm developed to predict the effect of missense changes on protein structure and function (PolyPhen-2) suggests that this variant is likely to be disruptive. In summary, the available evidence is currently insufficient to determine the role of this variant in disease. Therefore, it has been classified as a Variant of Uncertain Significance.

NM_003919.3(SGCE):c.1275G>T (p.Gln425His)

Genes: CASD1 (CAS1 domain sialic acid O acetyltransferase 1; plus strand), SGCE (sarcoglycan epsilon; minus strand). Cytogenetic location: 7q21.3.
Variant type: single nucleotide variant.
Coding change: c.1275G>T on transcript NM_003919.3 (MANE Select); coding-DNA position 1275, G replaced by T.
Protein change: p.Gln425His; replaces glutamine 425 with histidine.
Molecular consequence: missense variant.
Genome position (GRCh38, 1-based): chr7:94,588,711, C>A on the plus strand (G>T on the coding strand, the complement: SGCE is on the minus strand). VCF-style: chr7-94588711-C-A. GRCh37 (hg19) VCF-style: chr7-94218023-C-A.
Other names: c.1275G>T (NM_003919.2); c.1248G>T, p.Gln416His (NM_001099400.2, NM_001346717.2); c.1350G>T, p.Gln450His (NM_001099401.2); c.1152G>T, p.Gln384His (NM_001301139.2); c.1383G>T, p.Gln461His (NM_001346713.2); c.1356G>T, p.Gln452His (NM_001346715.2); c.1188G>T, p.Gln396His (NM_001346719.2); c.1002G>T, p.Gln334His (NM_001346720.2); and 3 more; short protein forms Q334H, Q452H, Q325H, Q416H, Q425H, Q461H, Q375H, Q384H.
Identifiers: ClinVar variation 4773479 (VCV004773479.2).